The following is an entry in ClinVar:

NM_006017.3(PROM1):c.2130+3A>G

Gene: PROM1 (prominin 1; minus strand). Cytogenetic location: 4p15.32.
Variant type: single nucleotide variant.
Coding change: c.2130+3A>G on transcript NM_006017.3 (MANE Select); 3 bases into the intron after coding-DNA position 2130, A replaced by G.
Molecular consequence: intron variant.
Genome position (GRCh38, 1-based): chr4:15,987,660, T>C on the plus strand (A>G on the coding strand, the complement: PROM1 is on the minus strand). VCF-style: chr4-15987660-T-C. GRCh37 (hg19) VCF-style: chr4-15989283-T-C.
Other names: c.2103+3A>G (NM_001145848.2, NM_001145852.2, NM_001145847.2 and 4 more transcripts); c.2130+3A>G (NM_001145850.2, NM_001145849.2).
Identifiers: ClinVar variation 2789247 (VCV002789247.3), dbSNP rs1719803500, ClinGen allele CA1059663393.

ClinVar aggregate classification (germline): Uncertain significance (1 of 4 stars; one submission).

Allele frequency attached by ClinVar (database versions not stated): TOPMed below 0.00001; gnomAD 0.00001.
gnomAD v4.1: 2 of 1,609,894 alleles (0.00012%); highest among the groups gnomAD compares: African/African-American, 0.0027%; no homozygotes.

Submission:

Labcorp Genetics (formerly Invitae), Labcorp
Classification: Uncertain significance. Last evaluated: 2023-06-18. Review status: criteria provided, single submitter. Criteria: Invitae Variant Classification Sherloc (09022015). Collection method: clinical testing. Allele origin: germline.
Comment: In summary, the available evidence is currently insufficient to determine the role of this variant in disease. Therefore, it has been classified as a Variant of Uncertain Significance. Variants that disrupt the consensus splice site are a relatively common cause of aberrant splicing (PMID: 17576681, 9536098). Algorithms developed to predict the effect of sequence changes on RNA splicing suggest that this variant may disrupt the consensus splice site. This variant has not been reported in the literature in individuals affected with PROM1-related conditions. This variant is not present in population databases (gnomAD no frequency). This sequence change falls in intron 19 of the PROM1 gene. It does not directly change the encoded amino acid sequence of the PROM1 protein. It affects a nucleotide within the consensus splice site.

Literature cited by the submitters: PubMed 17576681; PubMed 9536098.